The following is an entry in ClinVar:

NM_014297.5(ETHE1):c.278C>A (p.Ser93Tyr)

Gene: ETHE1 (ETHE1 persulfide dioxygenase; minus strand). Cytogenetic location: 19q13.31.
Variant type: single nucleotide variant.
Coding change: c.278C>A on transcript NM_014297.5 (MANE Select); coding-DNA position 278, C replaced by A.
Protein change: p.Ser93Tyr; replaces serine 93 with tyrosine.
Molecular consequence: missense variant. On other transcripts: intron variant (2).
Genome position (GRCh38, 1-based): chr19:43,526,298, G>T on the plus strand (C>A on the coding strand, the complement: ETHE1 is on the minus strand). VCF-style: chr19-43526298-G-T. GRCh37 (hg19) VCF-style: chr19-44030450-G-T.
Other names: c.245C>A, p.Ser82Tyr (NM_001320867.2); c.81+799C>A (NM_001320869.2); c.6+217C>A (NM_001320868.2); short protein forms S82Y, S93Y.
Identifiers: ClinVar variation 2050382 (VCV002050382.1), dbSNP rs199827754, ClinGen allele CA406179691.

ClinVar aggregate classification (germline): Uncertain significance (1 of 4 stars; one submission).

Conditions:
Ethylmalonic encephalopathy (EE). Also called: EPEMA syndrome; Encephalopathy, petechiae, and ethylmalonic aciduria; Syndrome of encephalopathy, petechiae, and ethylmalonic aciduria. Identifiers: Orphanet 51188, MedGen C1865349, MONDO:0011229, OMIM 602473. Disease mechanism: loss of function.

Submission:

Labcorp Genetics (formerly Invitae), Labcorp
Classification: Uncertain significance for Ethylmalonic encephalopathy. Last evaluated: 2022-08-02. Review status: criteria provided, single submitter. Criteria: Invitae Variant Classification Sherloc (09022015). Collection method: clinical testing. Allele origin: germline.
Comment: This sequence change replaces serine, which is neutral and polar, with tyrosine, which is neutral and polar, at codon 93 of the ETHE1 protein (p.Ser93Tyr). This variant is not present in population databases (gnomAD no frequency). This variant has not been reported in the literature in individuals affected with ETHE1-related conditions. Advanced modeling of protein sequence and biophysical properties (such as structural, functional, and spatial information, amino acid conservation, physicochemical variation, residue mobility, and thermodynamic stability) performed at Invitae indicates that this missense variant is expected to disrupt ETHE1 protein function. In summary, the available evidence is currently insufficient to determine the role of this variant in disease. Therefore, it has been classified as a Variant of Uncertain Significance.